The following is an entry in ClinVar:

NM_001323289.2(CDKL5):c.1288G>A (p.Gly430Arg)

Gene: CDKL5 (cyclin dependent kinase like 5; plus strand). Cytogenetic location: Xp22.13.
Variant type: single nucleotide variant.
Coding change: c.1288G>A on transcript NM_001323289.2 (MANE Select); coding-DNA position 1288, G replaced by A.
Protein change: p.Gly430Arg; replaces glycine 430 with arginine.
Molecular consequence: missense variant.
Genome position (GRCh38, 1-based): chrX:18,604,212, G>A. VCF-style: chrX-18604212-G-A. GRCh37 (hg19) VCF-style: chrX-18622332-G-A.
Other names: c.1288G>A, p.Gly430Arg (NM_001037343.2, NM_003159.3); short protein forms G430R.
Identifiers: ClinVar variation 1810569 (VCV001810569.7), dbSNP rs2518874060, ClinGen allele CA412360284.

ClinVar aggregate classification (germline): Uncertain significance. Review status: criteria provided, multiple submitters, no conflicts (2 of 4 stars). 2 submissions from 2 submitters: Uncertain significance (2). Last evaluated 2024-11-05.

Conditions:
Developmental and epileptic encephalopathy, 2 (DEE2). Also called: INFANTILE SPASM SYNDROME, X-LINKED 2; CDKL5 deficiency disorder. Identifiers: Orphanet 1934, Orphanet 3451, Orphanet 505652, MedGen C4750718, MONDO:0010396, OMIM 300672.
Angelman syndrome-like. Identifiers: MedGen CN128785.

Submissions (2):

Labcorp Genetics (formerly Invitae), Labcorp
Classification: Uncertain significance for Developmental and epileptic encephalopathy, 2; Angelman syndrome-like. Last evaluated: 2024-11-05. Review status: criteria provided, single submitter. Criteria: Invitae Variant Classification Sherloc (09022015). Collection method: clinical testing. Allele origin: germline.
Comment: This sequence change replaces glycine, which is neutral and non-polar, with arginine, which is basic and polar, at codon 430 of the CDKL5 protein (p.Gly430Arg). This variant is not present in population databases (gnomAD no frequency). This variant has not been reported in the literature in individuals affected with CDKL5-related conditions. ClinVar contains an entry for this variant (Variation ID: 1810569). Invitae Evidence Modeling of protein sequence and biophysical properties (such as structural, functional, and spatial information, amino acid conservation, physicochemical variation, residue mobility, and thermodynamic stability) has been performed for this missense variant. However, the output from this modeling did not meet the statistical confidence thresholds required to predict the impact of this variant on CDKL5 protein function. In summary, the available evidence is currently insufficient to determine the role of this variant in disease. Therefore, it has been classified as a Variant of Uncertain Significance.

GeneDx
Classification: Uncertain significance. Last evaluated: 2023-08-11. Review status: criteria provided, single submitter. Criteria: GeneDx Variant Classification Process June 2021. Collection method: clinical testing. Allele origin: germline.
Comment: Not observed at significant frequency in large population cohorts (gnomAD); In silico analysis supports that this missense variant has a deleterious effect on protein structure/function; Has not been previously published as pathogenic or benign to our knowledge